The following is an entry in ClinVar:

ClinVar aggregate classification (germline): Uncertain significance. Review status: criteria provided, multiple submitters, no conflicts (2 of 4 stars). 2 submissions from 2 submitters: Uncertain significance (2). Last evaluated 2026-01-26.

Allele frequency attached by ClinVar (database versions not stated): gnomAD exomes 0.00002.
gnomAD v4.1: 28 of 1,613,826 alleles (0.0017%); highest among the groups gnomAD compares: Non-Finnish European, 0.0019%; no homozygotes.

Submissions (2):

Labcorp Genetics (formerly Invitae), Labcorp
Classification: Uncertain significance. Last evaluated: 2026-01-26. Review status: criteria provided, single submitter. Criteria: Invitae Variant Classification Sherloc (09022015). Collection method: clinical testing. Allele origin: germline.
Comment: This sequence change replaces lysine, which is basic and polar, with methionine, which is neutral and non-polar, at codon 544 of the SRP72 protein (p.Lys544Met). This variant is present in population databases (no rsID available, gnomAD 0.002%). This variant has not been reported in the literature in individuals affected with SRP72-related conditions. ClinVar contains an entry for this variant (Variation ID: 1956207). Invitae Evidence Modeling of protein sequence and biophysical properties (such as structural, functional, and spatial information, amino acid conservation, physicochemical variation, residue mobility, and thermodynamic stability) indicates that this missense variant is not expected to disrupt SRP72 protein function with a negative predictive value of 80%. In summary, the available evidence is currently insufficient to determine the role of this variant in disease. Therefore, it has been classified as a Variant of Uncertain Significance.

Ambry Genetics
Classification: Uncertain significance. Last evaluated: 2024-12-19. Review status: criteria provided, single submitter. Criteria: Ambry Variant Classification Scheme 2023. Collection method: clinical testing. Allele origin: germline.
Comment: The p.K544M variant (also known as c.1631A>T), located in coding exon 16 of the SRP72 gene, results from an A to T substitution at nucleotide position 1631. The lysine at codon 544 is replaced by methionine, an amino acid with similar properties. This amino acid position is conserved. In addition, the in silico prediction for this alteration is inconclusive. Based on the available evidence, the clinical significance of this variant remains unclear.

NM_006947.4(SRP72):c.1631A>T (p.Lys544Met)

Gene: SRP72 (signal recognition particle 72; plus strand). Cytogenetic location: 4q12.
Variant type: single nucleotide variant.
Coding change: c.1631A>T on transcript NM_006947.4 (MANE Select); coding-DNA position 1631, A replaced by T.
Protein change: p.Lys544Met; replaces lysine 544 with methionine.
Molecular consequence: missense variant. On other transcripts: non-coding transcript variant (1).
Genome position (GRCh38, 1-based): chr4:56,491,559, A>T. VCF-style: chr4-56491559-A-T. GRCh37 (hg19) VCF-style: chr4-57357725-A-T.
Other names: c.1448A>T, p.Lys483Met (NM_001267722.2); c.1631A>T (NM_006947.3); short protein forms K483M, K544M.
Identifiers: ClinVar variation 1956207 (VCV001956207.6), dbSNP rs887823894, ClinGen allele CA357002162.